The following is an entry in ClinVar:

NM_001111125.3(IQSEC2):c.*13G>C

Gene: IQSEC2 (IQ motif and Sec7 domain ArfGEF 2; minus strand). Cytogenetic location: Xp11.22.
Variant type: single nucleotide variant.
Coding change: c.*13G>C on transcript NM_001111125.3 (MANE Select); 13 bases downstream of the stop codon, G replaced by C.
Molecular consequence: 3 prime UTR variant.
Genome position (GRCh38, 1-based): chrX:53,234,206, C>G on the plus strand (G>C on the coding strand, the complement: IQSEC2 is on the minus strand). VCF-style: chrX-53234206-C-G. GRCh37 (hg19) VCF-style: chrX-53263388-C-G.
Other names: c.*965G>C (NM_015075.2).
Identifiers: ClinVar variation 384399 (VCV000384399.1), dbSNP rs1057521944, ClinGen allele CA16609191.

ClinVar aggregate classification (germline): Likely benign (1 of 4 stars; one submission).

Allele frequency attached by ClinVar (database versions not stated): gnomAD exomes 0.00001.
gnomAD v4.1: 8 of 897,094 alleles (0.00089%); highest among the groups gnomAD compares: Non-Finnish European, 0.001%; no homozygotes.

Submission:

GeneDx
Classification: Likely benign. Last evaluated: 2016-03-18. Review status: criteria provided, single submitter. Criteria: GeneDx Variant Classification (06012015). Collection method: clinical testing. Allele origin: germline. Affected: yes.
Comment: This variant is considered likely benign or benign based on one or more of the following criteria: it is a conservative change, it occurs at a poorly conserved position in the protein, it is predicted to be benign by multiple in silico algorithms, and/or has population frequency not consistent with disease.